The following is an entry in ClinVar:

NM_005159.5(ACTC1):c.853A>G (p.Met285Val)

Genes: ACTC1 (actin alpha cardiac muscle 1; minus strand), GJD2-DT (GJD2 divergent transcript; plus strand). Cytogenetic location: 15q14.
Variant type: single nucleotide variant.
Coding change: c.853A>G on transcript NM_005159.5 (MANE Select); coding-DNA position 853, A replaced by G.
Protein change: p.Met285Val; replaces methionine 285 with valine.
Molecular consequence: missense variant.
Genome position (GRCh38, 1-based): chr15:34,791,251, T>C on the plus strand (A>G on the coding strand, the complement: ACTC1 is on the minus strand). VCF-style: chr15-34791251-T-C. GRCh37 (hg19) VCF-style: chr15-35083452-T-C.
Other names: c.853A>G, p.Met285Val (NM_001406482.1, NM_001406483.1); c.718A>G, p.Met240Val (NM_001406484.1); c.412A>G, p.Met138Val (NM_001406485.1); short protein forms M138V, M240V, M285V.
Identifiers: ClinVar variation 2625263 (VCV002625263.2), dbSNP rs2504177638, ClinGen allele CA391629573.
Genomic context (GRCh38, chr15:34,791,251, plus strand): 5'-TGCCTCCAGATAAGACATTGTTGGCATACAGGTCCTTGCGGATATCAATGTCACACTTCA[T>C]GATGCTATTGTAAGTTGTTTCATGGATGCCAGCAGATTCCATACCTGGGAACGAGTCACA-3'
Protein context (NP_005150.1, residues 275-295): GIHETTYNSI[Met285Val]KCDIDIRKDL

ClinVar aggregate classification (germline): Uncertain significance (1 of 4 stars; one submission).

Conditions:
Cardiovascular phenotype. Identifiers: MedGen CN230736.

Allele frequency attached by ClinVar (database versions not stated): gnomAD exomes below 0.00001.

Submission:

Ambry Genetics
Classification: Uncertain significance for Cardiovascular phenotype. Last evaluated: 2023-09-08. Review status: criteria provided, single submitter. Criteria: Ambry Variant Classification Scheme 2023. Collection method: clinical testing. Allele origin: germline.
Comment: The p.M285V variant (also known as c.853A>G), located in coding exon 5 of the ACTC1 gene, results from an A to G substitution at nucleotide position 853. The methionine at codon 285 is replaced by valine, an amino acid with highly similar properties. This amino acid position is conserved. In addition, this alteration is predicted to be deleterious by in silico analysis. Since supporting evidence is limited at this time, the clinical significance of this alteration remains unclear.